The following is an entry in ClinVar:

NM_006073.4(TRDN):c.1996G>C (p.Ala666Pro)

Gene: TRDN (triadin; minus strand). Cytogenetic location: 6q22.31.
Variant type: single nucleotide variant.
Coding change: c.1996G>C on transcript NM_006073.4 (MANE Select); coding-DNA position 1996, G replaced by C.
Protein change: p.Ala666Pro; replaces alanine 666 with proline.
Molecular consequence: missense variant.
Genome position (GRCh38, 1-based): chr6:123,224,111, C>G on the plus strand (G>C on the coding strand, the complement: TRDN is on the minus strand). VCF-style: chr6-123224111-C-G. GRCh37 (hg19) VCF-style: chr6-123545256-C-G.
Other names: short protein forms A666P.
Identifiers: ClinVar variation 1436044 (VCV001436044.8), dbSNP rs748450167, ClinGen allele CA365565699.

ClinVar aggregate classification (germline): Uncertain significance. Review status: criteria provided, multiple submitters, no conflicts (2 of 4 stars). 2 submissions from 2 submitters: Uncertain significance (2). Last evaluated 2022-10-24.

Conditions:
Cardiovascular phenotype. Identifiers: MedGen CN230736.
Catecholaminergic polymorphic ventricular tachycardia 1. Also called: VENTRICULAR TACHYCARDIA, CATECHOLAMINERGIC POLYMORPHIC, 1, WITH OR WITHOUT ATRIAL DYSFUNCTION AND/OR DILATED CARDIOMYOPATHY; RYR2-Related Catecholaminergic Polymorphic Ventricular Tachycardia; VENTRICULAR TACHYCARDIA, STRESS-INDUCED POLYMORPHIC 1. Identifiers: Orphanet 3286, MedGen C1631597, MONDO:0011484, OMIM 604772.

gnomAD v4.1: 3 of 1,610,040 alleles (0.00019%); highest among the groups gnomAD compares: Middle Eastern, 0.017%; no homozygotes.

Submissions (2):

Labcorp Genetics (formerly Invitae), Labcorp
Classification: Uncertain significance for Catecholaminergic polymorphic ventricular tachycardia 1. Last evaluated: 2022-10-24. Review status: criteria provided, single submitter. Criteria: Invitae Variant Classification Sherloc (09022015). Collection method: clinical testing. Allele origin: germline.
Comment: This sequence change replaces alanine, which is neutral and non-polar, with proline, which is neutral and non-polar, at codon 666 of the TRDN protein (p.Ala666Pro). This variant is present in population databases (no rsID available, gnomAD 0.0009%). This variant has not been reported in the literature in individuals affected with TRDN-related conditions. ClinVar contains an entry for this variant (Variation ID: 1436044). Algorithms developed to predict the effect of missense changes on protein structure and function output the following: SIFT: "Tolerated"; PolyPhen-2: "Benign"; Align-GVGD: "Class C0". The proline amino acid residue is found in multiple mammalian species, which suggests that this missense change does not adversely affect protein function. In summary, the available evidence is currently insufficient to determine the role of this variant in disease. Therefore, it has been classified as a Variant of Uncertain Significance.

Ambry Genetics
Classification: Uncertain significance for Cardiovascular phenotype. Last evaluated: 2022-08-03. Review status: criteria provided, single submitter. Criteria: Ambry Variant Classification Scheme 2023. Collection method: clinical testing. Allele origin: germline.
Comment: The p.A666P variant (also known as c.1996G>C), located in coding exon 39 of the TRDN gene, results from a G to C substitution at nucleotide position 1996. The alanine at codon 666 is replaced by proline, an amino acid with highly similar properties. This amino acid position is conserved. In addition, this alteration is predicted to be tolerated by in silico analysis. Since supporting evidence is limited at this time, the clinical significance of this alteration remains unclear.